The following is an entry in ClinVar:

NM_001134831.2(AHI1):c.3329C>T (p.Thr1110Ile)

Gene: AHI1 (Abelson helper integration site 1; minus strand). Cytogenetic location: 6q23.3.
Variant type: single nucleotide variant.
Coding change: c.3329C>T on transcript NM_001134831.2 (MANE Select); coding-DNA position 3329, C replaced by T.
Protein change: p.Thr1110Ile; replaces threonine 1110 with isoleucine.
Molecular consequence: missense variant.
Genome position (GRCh38, 1-based): chr6:135,318,616, G>A on the plus strand (C>T on the coding strand, the complement: AHI1 is on the minus strand). VCF-style: chr6-135318616-G-A. GRCh37 (hg19) VCF-style: chr6-135639754-G-A.
Other names: c.3329C>T, p.Thr1110Ile (NM_001134830.2, NM_001350503.2, NM_001350504.2 and 1 more transcripts); short protein forms T1110I.
Identifiers: ClinVar variation 1389334 (VCV001389334.7), dbSNP rs891027780, ClinGen allele CA148533170.

ClinVar aggregate classification (germline): Uncertain significance. Review status: criteria provided, multiple submitters, no conflicts (2 of 4 stars). 4 submissions from 4 submitters: Uncertain significance (4). Last evaluated 2022-08-17.

Conditions:
Inborn genetic diseases. Identifiers: MedGen C0950123, MeSH D030342.
Joubert syndrome. Also called: CEREBELLOPARENCHYMAL DISORDER IV; JOUBERT-BOLTSHAUSER SYNDROME; Familial aplasia of the vermis. Identifiers: Orphanet 475, MedGen C5979921, MONDO:0018772.
Joubert syndrome 3 (JBTS3). Also called: AHI1-related Ciliopathy. Identifiers: Orphanet 220493, MedGen C1837713, MONDO:0012078, OMIM 608629.

Allele frequency attached by ClinVar (database versions not stated): gnomAD exomes 0.00001 and 0.00004; gnomAD 0.00003; TOPMed 0.00005.
gnomAD v4.1: 54 of 1,590,256 alleles (0.0034%); highest among the groups gnomAD compares: Non-Finnish European, 0.0046%; no homozygotes.

Submissions (4):

Ambry Genetics
Classification: Uncertain significance for Inborn genetic diseases. Last evaluated: 2022-08-17. Review status: criteria provided, single submitter. Criteria: Ambry Variant Classification Scheme 2023. Collection method: clinical testing. Allele origin: germline.

GeneDx
Classification: Uncertain significance. Last evaluated: 2022-02-14. Review status: criteria provided, single submitter. Criteria: GeneDx Variant Classification Process June 2021. Collection method: clinical testing. Allele origin: germline. Affected: yes.
Comment: Not observed at significant frequency in large population cohorts (gnomAD); In silico analysis supports that this missense variant does not alter protein structure/function; Has not been previously published as pathogenic or benign to our knowledge

Labcorp Genetics (formerly Invitae), Labcorp
Classification: Uncertain significance for Joubert syndrome. Last evaluated: 2021-08-26. Review status: criteria provided, single submitter. Criteria: Invitae Variant Classification Sherloc (09022015). Collection method: clinical testing. Allele origin: germline.
Comment: This sequence change replaces threonine with isoleucine at codon 1110 of the AHI1 protein (p.Thr1110Ile). The threonine residue is weakly conserved and there is a moderate physicochemical difference between threonine and isoleucine. This variant is not present in population databases (ExAC no frequency). This variant has not been reported in the literature in individuals affected with AHI1-related conditions. Algorithms developed to predict the effect of missense changes on protein structure and function are either unavailable or do not agree on the potential impact of this missense change (SIFT: "Deleterious"; PolyPhen-2: "Probably Damaging"; Align-GVGD: "Class C0"). In summary, the available evidence is currently insufficient to determine the role of this variant in disease. Therefore, it has been classified as a Variant of Uncertain Significance.

Fulgent Genetics
Classification: Uncertain significance for Joubert syndrome 3. Last evaluated: 2021-08-01. Review status: criteria provided, single submitter. Criteria: ACMG Guidelines, 2015. Collection method: clinical testing. Allele origin: unknown.